The following is an entry in ClinVar:

ClinVar aggregate classification (germline): Uncertain significance (1 of 4 stars; one submission).

Allele frequency attached by ClinVar (database versions not stated): gnomAD exomes below 0.00001.
gnomAD v4.1: 1 of 1,614,150 alleles (0.000062%); highest among the groups gnomAD compares: East Asian, 0.0022%; no homozygotes.

Submission:

Labcorp Genetics (formerly Invitae), Labcorp
Classification: Uncertain significance. Last evaluated: 2025-04-14. Review status: criteria provided, single submitter. Criteria: Invitae Variant Classification Sherloc (09022015). Collection method: clinical testing. Allele origin: germline.
Comment: This sequence change replaces alanine, which is neutral and non-polar, with threonine, which is neutral and polar, at codon 863 of the NLRP1 protein (p.Ala863Thr). This variant is present in population databases (no rsID available, gnomAD 0.006%). This variant has not been reported in the literature in individuals affected with NLRP1-related conditions. ClinVar contains an entry for this variant (Variation ID: 2778125). An algorithm developed to predict the effect of missense changes on protein structure and function outputs the following: PolyPhen-2: "Benign". The threonine amino acid residue is found in multiple mammalian species, which suggests that this missense change does not adversely affect protein function. In summary, the available evidence is currently insufficient to determine the role of this variant in disease. Therefore, it has been classified as a Variant of Uncertain Significance.

NM_033004.4(NLRP1):c.2587G>A (p.Ala863Thr)

Gene: NLRP1 (NLR family pyrin domain containing 1; minus strand). Cytogenetic location: 17p13.2.
Variant type: single nucleotide variant.
Coding change: c.2587G>A on transcript NM_033004.4 (MANE Select); coding-DNA position 2587, G replaced by A.
Protein change: p.Ala863Thr; replaces alanine 863 with threonine.
Molecular consequence: missense variant.
Genome position (GRCh38, 1-based): chr17:5,541,969, C>T on the plus strand (G>A on the coding strand, the complement: NLRP1 is on the minus strand). VCF-style: chr17-5541969-C-T. GRCh37 (hg19) VCF-style: chr17-5445289-C-T.
Other names: c.2587G>A, p.Ala863Thr (NM_001033053.3, NM_014922.5, NM_033006.4 and 1 more transcripts); short protein forms A863T.
Identifiers: ClinVar variation 2778125 (VCV002778125.3), dbSNP rs1327517597, ClinGen allele CA397379328.